The following is an entry in ClinVar:

ClinVar aggregate classification (germline): Likely benign. Review status: criteria provided, multiple submitters, no conflicts (2 of 4 stars). 2 submissions from 2 submitters: Likely benign (2). Last evaluated 2025-11-01.

gnomAD v4.1: 2,400 of 1,614,082 alleles (0.15%); highest among the groups gnomAD compares: Middle Eastern, 0.21%; 1 homozygote.

Submissions (2):

CeGaT Center for Human Genetics Tuebingen
Classification: Likely benign. Last evaluated: 2025-11-01. Review status: criteria provided, single submitter. Criteria: CeGaT Center For Human Genetics Tuebingen Variant Classification Criteria Version 2. Collection method: clinical testing. Allele origin: germline. Affected: yes. Observed: 1 variant allele.
Comment: LTBP1: BP4, BP7

Blueprint Genetics
Classification: Likely benign. Last evaluated: 2024-11-18. Review status: criteria provided, single submitter. Criteria: ACMG Guidelines, 2015. Collection method: clinical testing. Allele origin: germline.

NM_206943.4(LTBP1):c.2088C>T (p.His696=)

Gene: LTBP1 (latent transforming growth factor beta binding protein 1; plus strand). Cytogenetic location: 2p22.3.
Variant type: single nucleotide variant.
Coding change: c.2088C>T on transcript NM_206943.4 (MANE Select); coding-DNA position 2088, C replaced by T.
Protein change: p.His696=; no amino-acid change (histidine 696 retained).
Molecular consequence: synonymous variant.
Genome position (GRCh38, 1-based): chr2:33,252,765, C>T. VCF-style: chr2-33252765-C-T. GRCh37 (hg19) VCF-style: chr2-33477832-C-T.
Other names: c.1110C>T, p.His370= (NM_000627.4, NM_001166264.2, NM_001166265.2 and 21 more transcripts); c.2088C>T, p.His696= (NM_001394905.1); c.867C>T, p.His289= (NM_001394916.1).
Identifiers: ClinVar variation 4533448 (VCV004533448.7).